The following is an entry in ClinVar:

NM_002184.4(IL6ST):c.1300C>T (p.Pro434Ser)

Gene: IL6ST (interleukin 6 cytokine family signal transducer; minus strand). Cytogenetic location: 5q11.2.
Variant type: single nucleotide variant.
Coding change: c.1300C>T on transcript NM_002184.4 (MANE Select); coding-DNA position 1300, C replaced by T.
Protein change: p.Pro434Ser; replaces proline 434 with serine.
Molecular consequence: missense variant. On other transcripts: 3 prime UTR variant (1), non-coding transcript variant (2), intron variant (1).
Genome position (GRCh38, 1-based): chr5:55,954,960, G>A on the plus strand (C>T on the coding strand, the complement: IL6ST is on the minus strand). VCF-style: chr5-55954960-G-A. GRCh37 (hg19) VCF-style: chr5-55250788-G-A.
Other names: c.1300C>T, p.Pro434Ser (NM_001364275.2); c.1090C>T, p.Pro364Ser (NM_001364276.2); c.433C>T, p.Pro145Ser (NM_001364277.2); c.397C>T, p.Pro133Ser (NM_001364278.2); c.304C>T, p.Pro102Ser (NM_001364279.2); c.*227C>T (NM_175767.3); c.1267+1065C>T (NM_001190981.2); short protein forms P434S, P102S, P133S, P145S, P364S.
Identifiers: ClinVar variation 1501098 (VCV001501098.8), dbSNP rs2111703013, ClinGen allele CA359763665.

ClinVar aggregate classification (germline): Uncertain significance (1 of 4 stars; one submission).

Submission:

Labcorp Genetics (formerly Invitae), Labcorp
Classification: Uncertain significance. Last evaluated: 2021-01-08. Review status: criteria provided, single submitter. Criteria: Invitae Variant Classification Sherloc (09022015). Collection method: clinical testing. Allele origin: germline.
Comment: In summary, the available evidence is currently insufficient to determine the role of this variant in disease. Therefore, it has been classified as a Variant of Uncertain Significance. Algorithms developed to predict the effect of missense changes on protein structure and function (SIFT, PolyPhen-2, Align-GVGD) all suggest that this variant is likely to be disruptive, but these predictions have not been confirmed by published functional studies and their clinical significance is uncertain. This variant has not been reported in the literature in individuals with IL6ST-related conditions. This variant is not present in population databases (ExAC no frequency). This sequence change replaces proline with serine at codon 434 of the IL6ST protein (p.Pro434Ser). The proline residue is highly conserved and there is a moderate physicochemical difference between proline and serine.